The following is an entry in ClinVar:

ClinVar aggregate classification (germline): Uncertain significance (1 of 4 stars; one submission).

Allele frequency attached by ClinVar (database versions not stated): gnomAD 0.00001; ExAC 0.00005; 1000 Genomes Project 30x 0.00016; 1000 Genomes Project 0.00020.
gnomAD v4.1: 22 of 1,610,574 alleles (0.0014%); highest among the groups gnomAD compares: South Asian, 0.019%; no homozygotes.

Submission:

Labcorp Genetics (formerly Invitae), Labcorp
Classification: Uncertain significance. Last evaluated: 2022-05-21. Review status: criteria provided, single submitter. Criteria: Invitae Variant Classification Sherloc (09022015). Collection method: clinical testing. Allele origin: germline.
Comment: In summary, the available evidence is currently insufficient to determine the role of this variant in disease. Therefore, it has been classified as a Variant of Uncertain Significance. Algorithms developed to predict the effect of missense changes on protein structure and function (SIFT, PolyPhen-2, Align-GVGD) all suggest that this variant is likely to be tolerated. This variant has not been reported in the literature in individuals affected with MCM3AP-related conditions. This variant is present in population databases (rs549234804, gnomAD 0.03%). This sequence change replaces valine, which is neutral and non-polar, with isoleucine, which is neutral and non-polar, at codon 1514 of the MCM3AP protein (p.Val1514Ile).

NM_003906.5(MCM3AP):c.4540G>A (p.Val1514Ile)

Genes: MCM3AP (minichromosome maintenance complex component 3 associated protein; minus strand), MCM3AP-AS1 (MCM3AP antisense RNA 1; plus strand). Cytogenetic location: 21q22.3.
Variant type: single nucleotide variant.
Coding change: c.4540G>A on transcript NM_003906.5 (MANE Select); coding-DNA position 4540, G replaced by A.
Protein change: p.Val1514Ile; replaces valine 1514 with isoleucine.
Molecular consequence: missense variant.
Genome position (GRCh38, 1-based): chr21:46,246,637, C>T on the plus strand (G>A on the coding strand, the complement: MCM3AP is on the minus strand). VCF-style: chr21-46246637-C-T. GRCh37 (hg19) VCF-style: chr21-47666551-C-T.
Other names: short protein forms V1514I.
Identifiers: ClinVar variation 1931270 (VCV001931270.4), dbSNP rs549234804, ClinGen allele CA10076102.